The following is an entry in ClinVar:

ClinVar aggregate classification (germline): Uncertain significance. Review status: criteria provided, multiple submitters, no conflicts (2 of 4 stars). 6 submissions from 6 submitters: Uncertain significance (5). 1 of the submissions does not count toward it. Last evaluated 2025-08-28.

Conditions:
Hereditary cancer-predisposing syndrome. Also called: Hereditary Cancer Syndrome; Tumor predisposition; Hereditary neoplastic syndrome; Neoplastic Syndromes, Hereditary. Identifiers: Orphanet 140162, MedGen C0027672, MeSH D009386, MONDO:0015356.
Multiple endocrine neoplasia, type 2 (MEN2). Identifiers: Orphanet 653, MedGen C4048306, MONDO:0019003. Disease mechanism: gain of function.
Multiple endocrine neoplasia type 2A. Also called: MULTIPLE ENDOCRINE NEOPLASIA, TYPE IIA; PTC SYNDROME; SIPPLE SYNDROME; MEN 2A; MEN-2A syndrome; Pheochromocytoma and amyloid producing medullary thyroid carcinoma. Identifiers: Orphanet 247698, Orphanet 653, MedGen C0025268, MeSH D018813, MONDO:0008234, OMIM 171400.

Allele frequency attached by ClinVar (database versions not stated): gnomAD exomes below 0.00001 and 0.00001; TOPMed below 0.00001.
gnomAD v4.1: 9 of 1,609,390 alleles (0.00056%); highest among the groups gnomAD compares: Non-Finnish European, 0.00076%; no homozygotes.

Submissions (6):

Labcorp Genetics (formerly Invitae), Labcorp
Classification: Uncertain significance for Multiple endocrine neoplasia, type 2. Last evaluated: 2025-08-28. Review status: criteria provided, single submitter. Criteria: Invitae Variant Classification Sherloc (09022015). Collection method: clinical testing. Allele origin: germline.
Comment: This sequence change replaces glycine, which is neutral and non-polar, with arginine, which is basic and polar, at codon 593 of the RET protein (p.Gly593Arg). The frequency data for this variant in the population databases is considered unreliable, as metrics indicate poor data quality at this position in the gnomAD database. This variant has not been reported in the literature in individuals affected with RET-related conditions. ClinVar contains an entry for this variant (Variation ID: 241339). An algorithm developed to predict the effect of missense changes on protein structure and function (PolyPhen-2) suggests that this variant is likely to be disruptive. In summary, the available evidence is currently insufficient to determine the role of this variant in disease. Therefore, it has been classified as a Variant of Uncertain Significance.

Color Diagnostics, LLC DBA Color Health
Classification: Uncertain significance for Multiple endocrine neoplasia, type 2. Last evaluated: 2025-06-25. Review status: criteria provided, single submitter. Criteria: ACMG Guidelines, 2015. Collection method: clinical testing. Allele origin: germline.
Comment: This missense variant replaces glycine with arginine at codon 593 of the RET protein. Computational prediction is inconclusive regarding the impact of this variant on protein structure and function. To our knowledge, functional studies have not been reported for this variant. This variant has not been reported in individuals affected with RET-related disorders in the literature. This variant has been identified in 1/239626 chromosomes in the general population by the Genome Aggregation Database (gnomAD). The available evidence is insufficient to determine the role of this variant in disease conclusively. Therefore, this variant is classified as a Variant of Uncertain Significance.

Ambry Genetics
Classification: Uncertain significance for Hereditary cancer-predisposing syndrome. Last evaluated: 2024-05-21. Review status: criteria provided, single submitter. Criteria: Ambry Variant Classification Scheme 2023. Collection method: clinical testing. Allele origin: germline.
Comment: The p.G593R variant (also known as c.1777G>A), located in coding exon 10 of the RET gene, results from a G to A substitution at nucleotide position 1777. The glycine at codon 593 is replaced by arginine, an amino acid with dissimilar properties. This amino acid position is highly conserved in available vertebrate species. In addition, this alteration is predicted to be deleterious by in silico analysis. Since supporting evidence is limited at this time, the clinical significance of this alteration remains unclear.

Myriad Genetics, Inc.
Classification: Uncertain significance for Multiple endocrine neoplasia type 2A. Last evaluated: 2023-04-17. Review status: criteria provided, single submitter. Criteria: Myriad Autosomal Dominant, Autosomal Recessive and X-Linked Classification Criteria (2023). Collection method: clinical testing. Allele origin: unknown.
Comment: This variant is classified as a variant of uncertain significance as there is insufficient evidence to determine its impact on protein function and/or cancer risk.

Blueprint Genetics
Classification: Uncertain significance. Last evaluated: 2021-05-06. Review status: criteria provided, single submitter. Criteria: ACMG Guidelines, 2015. Collection method: clinical testing. Allele origin: germline.

Counsyl
Classification: Uncertain significance for Multiple endocrine neoplasia type 2A. Last evaluated: 2017-12-08. Review status: no assertion criteria provided. Collection method: clinical testing. Allele origin: unknown. Not counted in ClinVar's aggregate classification.

NM_020975.6(RET):c.1777G>A (p.Gly593Arg)

Gene: RET (ret proto-oncogene; plus strand). Cytogenetic location: 10q11.21.
Variant type: single nucleotide variant.
Coding change: c.1777G>A on transcript NM_020975.6 (MANE Select); coding-DNA position 1777, G replaced by A.
Protein change: p.Gly593Arg; replaces glycine 593 with arginine.
Molecular consequence: missense variant.
Genome position (GRCh38, 1-based): chr10:43,113,573, G>A. VCF-style: chr10-43113573-G-A. GRCh37 (hg19) VCF-style: chr10-43609021-G-A.
Other names: c.1777G>A, p.Gly593Arg (NM_000323.2, NM_001406743.1, NM_001406744.1 and 6 more transcripts); c.1015G>A, p.Gly339Arg (NM_001355216.2); c.1648G>A, p.Gly550Arg (NM_001406761.1, NM_001406762.1, NM_001406764.1 and 1 more transcripts); c.1489G>A, p.Gly497Arg (NM_001406766.1, NM_001406767.1, NM_001406770.1); c.1381G>A, p.Gly461Arg (NM_001406769.1, NM_001406772.1); c.1339G>A, p.Gly447Arg (NM_001406771.1, NM_001406773.1); c.1252G>A, p.Gly418Arg (NM_001406774.1); c.1051G>A, p.Gly351Arg (NM_001406775.1, NM_001406776.1, NM_001406777.1 and 1 more transcripts); and 5 more; short protein forms G593R, G339R, G351R, G447R, G461R, G263R, G418R, G497R.
Identifiers: ClinVar variation 241339 (VCV000241339.16), dbSNP rs878855059, ClinGen allele CA10582721.
Genomic context (GRCh38, chr10:43,113,573, plus strand): 5'-GTCAGGCGCCCCAGGAGGCTGAGTGGGCTACGTCTGCCCTCAGGGGGCAGCATTGTTGGG[G>A]GACACGAGCCTGGGGAGCCCCGGGGGATTAAAGCTGGCTATGGCACCTGCAACTGCTTCC-3'
Protein context (NP_066124.1, residues 583-603): QDCLRGSIVG[Gly593Arg]HEPGEPRGIK